The following is an entry in ClinVar:

NM_000642.3(AGL):c.1220A>G (p.Glu407Gly)

Gene: AGL (amylo-alpha-1,6-glucosidase and 4-alpha-glucanotransferase; plus strand). Cytogenetic location: 1p21.2.
Variant type: single nucleotide variant.
Coding change: c.1220A>G on transcript NM_000642.3 (MANE Select); coding-DNA position 1220, A replaced by G.
Protein change: p.Glu407Gly; replaces glutamic acid 407 with glycine.
Molecular consequence: missense variant.
Genome position (GRCh38, 1-based): chr1:99,875,392, A>G. VCF-style: chr1-99875392-A-G. GRCh37 (hg19) VCF-style: chr1-100340948-A-G.
Other names: c.1220A>G, p.Glu407Gly (NM_000028.3, NM_000643.3, NM_000644.3 and 2 more transcripts); c.1172A>G, p.Glu391Gly (NM_000646.3); c.1016A>G, p.Glu339Gly (NM_001425328.1, NM_001425329.1); c.842A>G, p.Glu281Gly (NM_001425332.1); short protein forms E407G, E391G, E281G, E339G.
Identifiers: ClinVar variation 2136759 (VCV002136759.3), dbSNP rs776695247, ClinGen allele CA966431.
Genomic context (GRCh38, chr1:99,875,392, plus strand): 5'-ATCTAACACAATTTAATGTTTTTCAGGCAGTTAATTGCCTTTTGGGAAATGTGTTTTATG[A>G]ACGACTGGCTGGCCATGGTCCAAAACTAGGACCTGTCACTAGAAAGCATCCTTTAGTTAC-3'
Protein context (NP_000633.2, residues 397-417): VNCLLGNVFY[Glu407Gly]RLAGHGPKLG

ClinVar aggregate classification (germline): Uncertain significance. Review status: criteria provided, multiple submitters, no conflicts (2 of 4 stars). 2 submissions from 2 submitters: Uncertain significance (2). Last evaluated 2023-11-27.

Conditions:
Glycogen storage disease type III (GSD3). Also called: FORBES DISEASE; Cori disease. Identifiers: Orphanet 366, MedGen C0017922, MONDO:0009291, OMIM 232400.

Allele frequency attached by ClinVar (database versions not stated): gnomAD exomes below 0.00001; ExAC 0.00001.
gnomAD v4.1: 11 of 1,614,156 alleles (0.00068%); highest among the groups gnomAD compares: Middle Eastern, 0.033%; no homozygotes.

Submissions (2):

Labcorp Genetics (formerly Invitae), Labcorp
Classification: Uncertain significance for Glycogen storage disease type III. Last evaluated: 2023-11-27. Review status: criteria provided, single submitter. Criteria: Invitae Variant Classification Sherloc (09022015). Collection method: clinical testing. Allele origin: germline.
Comment: This sequence change replaces glutamic acid, which is acidic and polar, with glycine, which is neutral and non-polar, at codon 407 of the AGL protein (p.Glu407Gly). This variant is present in population databases (rs776695247, gnomAD 0.003%). This missense change has been observed in individual(s) with glycogen storage disease (PMID: 36579437). ClinVar contains an entry for this variant (Variation ID: 2136759). Advanced modeling of protein sequence and biophysical properties (such as structural, functional, and spatial information, amino acid conservation, physicochemical variation, residue mobility, and thermodynamic stability) performed at Invitae indicates that this missense variant is expected to disrupt AGL protein function with a positive predictive value of 80%. In summary, the available evidence is currently insufficient to determine the role of this variant in disease. Therefore, it has been classified as a Variant of Uncertain Significance.

Blueprint Genetics
Classification: Uncertain significance. Last evaluated: 2021-09-01. Review status: criteria provided, single submitter. Criteria: ACMG Guidelines, 2015. Collection method: clinical testing. Allele origin: germline.

Literature cited by the submitters: PubMed 36579437 (cited by Labcorp Genetics (formerly Invitae), Labcorp).